The following is an entry in ClinVar:

ClinVar aggregate classification (germline): Uncertain significance. Review status: criteria provided, multiple submitters, no conflicts (2 of 4 stars). 2 submissions from 2 submitters: Uncertain significance (2). Last evaluated 2026-04-09.

Conditions:
TARS1-related disorder. Also called: TARS1-related condition.

Allele frequency attached by ClinVar (database versions not stated): gnomAD exomes 0.00001; ExAC 0.00002; gnomAD 0.00005; TOPMed 0.00008; ESP Exome Variant Server 0.00015.
gnomAD v4.1: 18 of 1,614,038 alleles (0.0011%); highest among the groups gnomAD compares: African/African-American, 0.012%; no homozygotes.

Submissions (2):

PreventionGenetics, part of Exact Sciences
Classification: Uncertain significance for TARS1-related condition. Last evaluated: 2026-04-09. Review status: criteria provided, single submitter. Criteria: ACMG Guidelines, 2015. Collection method: clinical testing. Allele origin: germline.
Comment: The TARS1 c.1457C>T variant is predicted to result in the amino acid substitution p.Thr486Ile. To our knowledge, this variant has not been reported in the literature. This variant is reported in 0.012% of alleles in individuals of African descent in gnomAD. At this time, the clinical significance of this variant is uncertain due to the absence of conclusive functional and genetic evidence.

Ambry Genetics
Classification: Uncertain significance. Last evaluated: 2025-05-19. Review status: criteria provided, single submitter. Criteria: Ambry Variant Classification Scheme 2023. Collection method: clinical testing. Allele origin: germline.

NM_152295.5(TARS1):c.1358C>T (p.Thr453Ile)

Genes: TARS1 (threonyl-tRNA synthetase 1; plus strand), LOC126807348 (BRD4-independent group 4 enhancer GRCh37_chr5:33460526-33461725; plus strand). Cytogenetic location: 5p13.3.
Variant type: single nucleotide variant.
Coding change: c.1358C>T on transcript NM_152295.5 (MANE Select); coding-DNA position 1358, C replaced by T.
Protein change: p.Thr453Ile; replaces threonine 453 with isoleucine.
Molecular consequence: missense variant. On other transcripts: non-coding transcript variant (3).
Genome position (GRCh38, 1-based): chr5:33,461,009, C>T. VCF-style: chr5-33461009-C-T. GRCh37 (hg19) VCF-style: chr5-33461114-C-T.
Other names: c.1358C>T, p.Thr453Ile (NM_001258437.1); c.1457C>T, p.Thr486Ile (NM_001258438.2); c.1322C>T, p.Thr441Ile (NM_003191.1); c.1457C>T (NM_001258438.1); short protein forms T441I, T486I, T453I.
Identifiers: ClinVar variation 2524236 (VCV002524236.4), dbSNP rs1051213, ClinGen allele CA3223335.